The following is an entry in ClinVar:

ClinVar aggregate classification (germline): Conflicting classifications of pathogenicity. Review status: criteria provided, conflicting classifications (1 of 4 stars). 2 submissions from 2 submitters: Uncertain significance (1); Likely benign (1). Last evaluated 2026-01-19.

Conditions:
Congenital myasthenic syndrome 10. Also called: Myasthenia, limb-girdle, familial. Identifiers: Orphanet 590, MedGen C1850792, MONDO:0009690, OMIM 254300.
Fetal akinesia deformation sequence 1 (FADS1). Also called: Pena-Shokeir syndrome type I; Fetal akinesia sequence. Identifiers: Orphanet 994, MedGen C1276035, MONDO:0100101, OMIM 208150, HP:0001989.

Allele frequency attached by ClinVar (database versions not stated): 1000 Genomes Project 30x 0.00016.

Submissions (2):

Labcorp Genetics (formerly Invitae), Labcorp
Classification: Likely benign for Congenital myasthenic syndrome 10; Fetal akinesia deformation sequence 1. Last evaluated: 2026-01-19. Review status: criteria provided, single submitter. Criteria: Invitae Variant Classification Sherloc (09022015). Collection method: clinical testing. Allele origin: germline.

Mayo Clinic Laboratories, Mayo Clinic
Classification: Uncertain significance. Last evaluated: 2023-12-29. Review status: criteria provided, single submitter. Criteria: ACMG Guidelines, 2015. Collection method: clinical testing. Allele origin: germline. Observed: 1 variant allele.
Comment: BP4

NM_173660.5(DOK7):c.1262C>G (p.Pro421Arg)

Gene: DOK7 (docking protein 7; plus strand). Cytogenetic location: 4p16.3.
Variant type: single nucleotide variant.
Coding change: c.1262C>G on transcript NM_173660.5 (MANE Select); coding-DNA position 1262, C replaced by G.
Protein change: p.Pro421Arg; replaces proline 421 with arginine.
Molecular consequence: missense variant. On other transcripts: 3 prime UTR variant (1).
Genome position (GRCh38, 1-based): chr4:3,493,248, C>G. VCF-style: chr4-3493248-C-G. GRCh37 (hg19) VCF-style: chr4-3494975-C-G.
Other names: p.Pro421Arg; c.*483C>G (NM_001164673.2); c.332C>G, p.Pro111Arg (NM_001256896.2); c.1262C>G, p.Pro421Arg (NM_001301071.2); c.830C>G, p.Pro277Arg (NM_001363811.2); short protein forms P111R, P277R, P421R.
Identifiers: ClinVar variation 2056999 (VCV002056999.5), dbSNP rs373261147, ClinGen allele CA2829435.